The following is an entry in ClinVar:

NM_017617.5(NOTCH1):c.5081A>G (p.Gln1694Arg)

Gene: NOTCH1 (notch receptor 1; minus strand). Cytogenetic location: 9q34.3.
Variant type: single nucleotide variant.
Coding change: c.5081A>G on transcript NM_017617.5 (MANE Select); coding-DNA position 5081, A replaced by G.
Protein change: p.Gln1694Arg; replaces glutamine 1694 with arginine.
Molecular consequence: missense variant.
Genome position (GRCh38, 1-based): chr9:136,503,268, T>C on the plus strand (A>G on the coding strand, the complement: NOTCH1 is on the minus strand). VCF-style: chr9-136503268-T-C. GRCh37 (hg19) VCF-style: chr9-139397720-T-C.
Other names: short protein forms Q1694R.
Identifiers: ClinVar variation 3921022 (VCV003921022.1).

ClinVar aggregate classification (germline): Uncertain significance (1 of 4 stars; one submission).

Conditions:
Familial thoracic aortic aneurysm and aortic dissection (TAAD). Also called: Thoracic aortic aneurysms and dissections. Identifiers: Orphanet 91387, MedGen C4707243, MONDO:0019625.

Submission:

Ambry Genetics
Classification: Uncertain significance for Familial thoracic aortic aneurysm and aortic dissection. Last evaluated: 2025-05-18. Review status: criteria provided, single submitter. Criteria: Ambry Variant Classification Scheme 2023. Collection method: clinical testing. Allele origin: germline.
Comment: The p.Q1694R variant (also known as c.5081A>G), located in coding exon 27 of the NOTCH1 gene, results from an A to G substitution at nucleotide position 5081. The glutamine at codon 1694 is replaced by arginine, an amino acid with highly similar properties. This amino acid position is conserved. In addition, this alteration is predicted to be tolerated by in silico analysis. Based on the available evidence, the clinical significance of this variant remains unclear.